The following is an entry in ClinVar:

ClinVar aggregate classification (germline): Pathogenic. Review status: criteria provided, single submitter (1 of 4 stars). 3 submissions from 3 submitters: Pathogenic (1). 2 of the submissions do not count toward it. Last evaluated 2026-09-28.

Conditions:
Thanatophoric dysplasia type 1 (TD1). Also called: Thanatophoric Dysplasia Type 1 (TD Type 1); LETHAL SHORT-LIMBED PLATYSPONDYLIC DWARFISM, SAN DIEGO TYPE; PLATYSPONDYLIC LETHAL SKELETAL DYSPLASIA, SAN DIEGO TYPE. Identifiers: Orphanet 1860, Orphanet 2655, MedGen C1868678, MONDO:0008546, OMIM 187600. Disease mechanism: gain of function.

Submissions (3):

GeneDx
Classification: Pathogenic. Last evaluated: 2026-09-28. Review status: criteria provided, single submitter. Criteria: GeneDx Variant Classification Process June 2021. Collection method: clinical testing. Allele origin: germline.
Comment: Several different variants resulting in similar protein extensions have been reported in the Human Gene Mutation Database associated with thanatophoric dysplasia (HGMD), and have apparently similar functional consequences on protein stability and/or processing (PMID: 17509076, 17320202); Stop codon loss and change to a Cysteine codon, leading to protein extension and the addition of 101 amino acid(s) at the C-terminus in a gene for which protein extension is a known mechanism of disease; Not observed at significant frequency in large population cohorts (gnomAD); This variant is associated with the following publications: (PMID: 10425034, 25728633, 36639200, 38259611, 39357670, 17320202, 17509076)

Molecular Genetics Laboratory, BC Children's and BC Women's Hospitals
Classification: Pathogenic for Thanatophoric dysplasia type 1. Last evaluated: 2019-05-08. Review status: no assertion criteria provided. Criteria: ACMG Guidelines, 2015. Collection method: clinical testing. Allele origin: germline. Affected: yes. Not counted in ClinVar's aggregate classification.

GeneReviews
No classification provided. Condition: Thanatophoric dysplasia type 1. Review status: no classification provided. Collection method: literature only. Allele origin: unknown. Not counted in ClinVar's aggregate classification.

Literature cited by the submitters: PubMed 20301540 (cited by GeneReviews); NCBI Bookshelf NBK1366 (cited by GeneReviews).

NM_000142.5(FGFR3):c.2421A>C (p.Ter807Cys)

Gene: FGFR3 (fibroblast growth factor receptor 3; plus strand). Cytogenetic location: 4p16.3.
Variant type: single nucleotide variant.
Coding change: c.2421A>C on transcript NM_000142.5 (MANE Select); coding-DNA position 2421, A replaced by C.
Protein change: p.Ter807Cys.
Molecular consequence: stop lost. On other transcripts: missense variant (1), non-coding transcript variant (1).
Genome position (GRCh38, 1-based): chr4:1,807,262, A>C. VCF-style: chr4-1807262-A-C. GRCh37 (hg19) VCF-style: chr4-1808989-A-C.
Other names: *807delinsCysArgA; *807C; *809C; *695C; *808C; c.2427A>C, p.Ter809Cys (NM_001163213.2); c.2424A>C, p.Ter808Cys (NM_001354809.2); c.2353A>C, p.Lys785Gln (NM_001354810.2); and 1 more; short protein forms K785Q.
Identifiers: ClinVar variation 65563 (VCV000065563.8), dbSNP rs121913103, ClinGen allele CA344897.